The following is an entry in ClinVar:

ClinVar aggregate classification (germline): Uncertain significance (1 of 4 stars; one submission).

Conditions:
Epidermolysis bullosa simplex with nail dystrophy (EBS5D). Identifiers: MedGen C4225309, MONDO:0014661, OMIM 616487.
Epidermolysis bullosa simplex, Ogna type (EBS5A). Also called: EPIDERMOLYSIS BULLOSA SIMPLEX 5A, OGNA TYPE; Pidermolysis bullosa simplex 5A, Ogna type. Identifiers: Orphanet 79401, MedGen C0432317, MONDO:0007555, OMIM 131950.
Epidermolysis bullosa simplex 5C, with pyloric atresia (EBS5C). Also called: PLEC1-Related Epidermolysis Bullosa with Pyloric Atresia; PLEC-Related Epidermolysis Bullosa with Pyloric Atresia; Epidermolysis bullosa simplex with pyloric atresia. Identifiers: Orphanet 158684, MedGen C2677349, MONDO:0012807, OMIM 612138.
Autosomal recessive limb-girdle muscular dystrophy type 2Q (LGMDR17). Also called: MUSCULAR DYSTROPHY, LIMB-GIRDLE, AUTOSOMAL RECESSIVE 17. Identifiers: Orphanet 254361, MedGen C3150989, MONDO:0013390, OMIM 613723.
Epidermolysis bullosa simplex 5B, with muscular dystrophy (EBS5B). Also called: EPIDERMOLYSIS BULLOSA SIMPLEX AND LIMB-GIRDLE MUSCULAR DYSTROPHY; Epidermolysis bullosa simplex with muscular dystrophy. Identifiers: Orphanet 257, MedGen C2931072, MONDO:0009181, OMIM 226670.

Allele frequency attached by ClinVar (database versions not stated): gnomAD exomes below 0.00001; TOPMed below 0.00001; gnomAD 0.00001.
gnomAD v4.1: 6 of 1,603,984 alleles (0.00037%); highest among the groups gnomAD compares: East Asian, 0.0022%; no homozygotes.

Submission:

Labcorp Genetics (formerly Invitae), Labcorp
Classification: Uncertain significance for Autosomal recessive limb-girdle muscular dystrophy type 2Q; Epidermolysis bullosa simplex, Ogna type; Epidermolysis bullosa simplex with nail dystrophy; Epidermolysis bullosa simplex 5C, with pyloric atresia; Epidermolysis bullosa simplex 5B, with muscular dystrophy. Last evaluated: 2024-11-11. Review status: criteria provided, single submitter. Criteria: Invitae Variant Classification Sherloc (09022015). Collection method: clinical testing. Allele origin: germline.
Comment: This sequence change replaces isoleucine, which is neutral and non-polar, with valine, which is neutral and non-polar, at codon 232 of the PLEC protein (p.Ile232Val). This variant is present in population databases (no rsID available, gnomAD 0.006%). This variant has not been reported in the literature in individuals affected with PLEC-related conditions. ClinVar contains an entry for this variant (Variation ID: 2925091). An algorithm developed to predict the effect of missense changes on protein structure and function outputs the following: PolyPhen-2: "Not Available". The valine amino acid residue is found in multiple mammalian species, which suggests that this missense change does not adversely affect protein function. In summary, the available evidence is currently insufficient to determine the role of this variant in disease. Therefore, it has been classified as a Variant of Uncertain Significance.

NM_201384.3(PLEC):c.613A>G (p.Ile205Val)

Gene: PLEC (plectin; minus strand). Cytogenetic location: 8q24.3.
Variant type: single nucleotide variant.
Coding change: c.613A>G on transcript NM_201384.3 (MANE Select); coding-DNA position 613, A replaced by G.
Protein change: p.Ile205Val; replaces isoleucine 205 with valine.
Molecular consequence: missense variant.
Genome position (GRCh38, 1-based): chr8:143,935,303, T>C on the plus strand (A>G on the coding strand, the complement: PLEC is on the minus strand). VCF-style: chr8-143935303-T-C. GRCh37 (hg19) VCF-style: chr8-145009471-T-C.
Other names: c.694A>G, p.Ile232Val (NM_000445.5, NM_001410941.1); c.571A>G, p.Ile191Val (NM_201378.4); c.547A>G, p.Ile183Val (NM_201379.3); c.1024A>G, p.Ile342Val (NM_201380.4); c.517A>G, p.Ile173Val (NM_201381.3); c.613A>G, p.Ile205Val (NM_201382.4); c.625A>G, p.Ile209Val (NM_201383.3); short protein forms I173V, I183V, I205V, I232V, I209V, I191V, I342V.
Identifiers: ClinVar variation 2925091 (VCV002925091.3), dbSNP rs1007074224, ClinGen allele CA187623825.